The following is an entry in ClinVar:

NM_001276270.2(MBD4):c.1659_1660delinsTA (p.Glu553_Asp554delinsAspAsn)

Gene: MBD4 (methyl-CpG binding domain 4, DNA glycosylase; minus strand). Cytogenetic location: 3q21.3.
Variant type: Indel.
Coding change: c.1659_1660delinsTA on transcript NM_001276270.2 (MANE Select); coding-DNA positions 1659 to 1660, AG replaced by TA.
Protein change: p.Glu553_Asp554delinsAspAsn.
Molecular consequence: missense variant. On other transcripts: 3 prime UTR variant (1).
Genome position (GRCh38, 1-based): chr3:129,431,566-129,431,567, CT replaced by TA on the plus strand (AG replaced by TA on the coding strand, the reverse complement: MBD4 is on the minus strand). VCF-style: chr3-129431566-CT-TA. GRCh37 (hg19) VCF-style: chr3-129150409-CT-TA.
Other names: c.1659_1660delAGinsTA (NM_001276270.2); c.*1_*2delinsTA (NM_001276272.2); c.723_724delinsTA, p.Glu241_Asp242delinsAspAsn (NM_001276273.2); c.1677_1678delinsTA, p.Glu559_Asp560delinsAspAsn (NM_003925.3).
Identifiers: ClinVar variation 3669345 (VCV003669345.3).

ClinVar aggregate classification (germline): Uncertain significance. Review status: criteria provided, multiple submitters, no conflicts (2 of 4 stars). 2 submissions from 2 submitters: Uncertain significance (2). Last evaluated 2025-11-17.

Conditions:
Inborn genetic diseases. Identifiers: MedGen C0950123, MeSH D030342.

Submissions (2):

Labcorp Genetics (formerly Invitae), Labcorp
Classification: Uncertain significance. Last evaluated: 2025-11-17. Review status: criteria provided, single submitter. Criteria: Invitae Variant Classification Sherloc (09022015). Collection method: clinical testing. Allele origin: germline.
Comment: This variant, c.1677_1678delinsTA, is a complex sequence change that results in the deletion of 2 and insertion of 2 amino acid(s) in the MBD4 protein (p.Glu559_Asp560delinsAspAsn). Information on the frequency of this variant in the gnomAD database is not available, as this variant may be reported differently in the database. This variant has not been reported in the literature in individuals affected with MBD4-related conditions. ClinVar contains an entry for this variant (Variation ID: 3669345). Experimental studies and prediction algorithms are not available or were not evaluated, and the functional significance of this variant is currently unknown. In summary, the available evidence is currently insufficient to determine the role of this variant in disease. Therefore, it has been classified as a Variant of Uncertain Significance.

Ambry Genetics
Classification: Uncertain significance for Inborn genetic diseases. Last evaluated: 2025-09-03. Review status: criteria provided, single submitter. Criteria: Ambry Variant Classification Scheme 2023. Collection method: clinical testing. Allele origin: germline.
Comment: The c.1659_1660delAGinsTA variant (also known as p.E553_D554delinsDN), located in coding exon 8 of the MBD4 gene, results from an in-frame deletion of AG and insertion of TA at nucleotide positions 1659 to 1660. This results in the substitution of glutamate and aspartate residues for an aspartate and asparagine residue at codon 553 and 554. This amino acid region is not well conserved in available vertebrate species. In addition, the in silico prediction for this variant is inconclusive (Choi Y et al. PLoS ONE. 2012; 7(10):e46688). Based on the available evidence, the clinical significance of this variant remains unclear.